The following is an entry in ClinVar:

ClinVar aggregate classification (germline): Uncertain significance (1 of 4 stars; one submission).

Conditions:
Cardiomyopathy (CMYO). Also called: Cardiomyopathies. Identifiers: Orphanet 167848, MedGen C0878544, MONDO:0004994, HP:0001638. Inheritance: Various modes of inheritance.

Allele frequency attached by ClinVar (database versions not stated): gnomAD exomes below 0.00001.
gnomAD v4.1: 2 of 1,612,110 alleles (0.00012%); highest among the groups gnomAD compares: South Asian, 0.0011%; no homozygotes.

Submission:

Color Diagnostics, LLC DBA Color Health
Classification: Uncertain significance for Cardiomyopathy. Last evaluated: 2023-12-05. Review status: criteria provided, single submitter. Criteria: ACMG Guidelines, 2015. Collection method: clinical testing. Allele origin: germline.
Comment: This missense variant replaces isoleucine with threonine at codon 3554 of the RYR2 protein. Computational prediction tools and conservation analyses are inconclusive regarding the impact of this variant on the protein function. Computational splicing tools suggest that this variant may not impact RNA splicing. To our knowledge, functional assays have not been performed for this variant nor has this variant been reported in individuals affected with cardiovascular disorders in the literature. This variant has been identified in 1/248884 chromosomes in the general population by the Genome Aggregation Database (gnomAD). Available evidence is insufficient to determine the role of this variant in disease conclusively. Therefore, this variant is classified as a Variant of Uncertain Significance.

NM_001035.3(RYR2):c.10661T>C (p.Ile3554Thr)

Gene: RYR2 (ryanodine receptor 2; plus strand). Cytogenetic location: 1q43.
Variant type: single nucleotide variant.
Coding change: c.10661T>C on transcript NM_001035.3 (MANE Select); coding-DNA position 10661, T replaced by C.
Protein change: p.Ile3554Thr; replaces isoleucine 3554 with threonine.
Molecular consequence: missense variant.
Genome position (GRCh38, 1-based): chr1:237,723,234, T>C. VCF-style: chr1-237723234-T-C. GRCh37 (hg19) VCF-style: chr1-237886534-T-C.
Other names: short protein forms I3554T.
Identifiers: ClinVar variation 923562 (VCV000923562.5), dbSNP rs1364277722, ClinGen allele CA345416198.